The following is an entry in ClinVar:

NM_015021.3(ZNF292):c.2342G>A (p.Cys781Tyr)

Gene: ZNF292 (zinc finger protein 292; plus strand). Cytogenetic location: 6q14.3.
Variant type: single nucleotide variant.
Coding change: c.2342G>A on transcript NM_015021.3 (MANE Select); coding-DNA position 2342, G replaced by A.
Protein change: p.Cys781Tyr; replaces cysteine 781 with tyrosine.
Molecular consequence: missense variant.
Genome position (GRCh38, 1-based): chr6:87,255,971, G>A. VCF-style: chr6-87255971-G-A. GRCh37 (hg19) VCF-style: chr6-87965689-G-A.
Other names: c.1922G>A, p.Cys641Tyr (NM_001351444.2); short protein forms C641Y, C781Y.
Identifiers: ClinVar variation 3898763 (VCV003898763.1).

ClinVar aggregate classification (germline): Uncertain significance (1 of 4 stars; one submission).

Submission:

GeneDx
Classification: Uncertain significance. Last evaluated: 2024-11-08. Review status: criteria provided, single submitter. Criteria: GeneDx Variant Classification Process June 2021. Collection method: clinical testing. Allele origin: germline. Affected: yes.
Comment: Not observed at significant frequency in large population cohorts (gnomAD); In silico analysis supports that this missense variant has a deleterious effect on protein structure/function; Has not been previously published as pathogenic or benign to our knowledge